The following is an entry in ClinVar:

ClinVar aggregate classification (germline): Conflicting classifications of pathogenicity. Review status: criteria provided, conflicting classifications (1 of 4 stars). 7 submissions from 7 submitters: Uncertain significance (5); Likely benign (1). 1 of the submissions does not count toward it. Last evaluated 2025-09-29.

Conditions:
Breast-ovarian cancer, familial, susceptibility to, 1 (BROVCA1). Also called: BRCA1 Hereditary Breast and Ovarian Cancer; OVARIAN CANCER, SUSCEPTIBILITY TO. Identifiers: Orphanet 145, MedGen C2676676, MONDO:0011450, OMIM 604370. Disease mechanism: loss of function.
Hereditary cancer-predisposing syndrome. Also called: Neoplastic Syndromes, Hereditary; Hereditary neoplastic syndrome; Hereditary Cancer Syndrome; Tumor predisposition. Identifiers: Orphanet 140162, MedGen C0027672, MeSH D009386, MONDO:0015356.
Hereditary breast ovarian cancer syndrome. Also called: Hereditary breast and ovarian cancer syndrome; Breast and ovarian cancer; Hereditary breast and ovarian cancer syndrome (HBOC); Hereditary breast and/or ovarian cancer syndrome; BRCA1- and BRCA2-Associated Hereditary Breast and Ovarian Cancer; Hereditary breast and ovarian cancer. Identifiers: Orphanet 145, MedGen C0677776, MeSH D061325, MONDO:0003582. Disease mechanism: loss of function.
Familial cancer of breast. Also called: Hereditary breast cancer; BREAST CANCER, FAMILIAL; hereditary breast carcinoma. Identifiers: Orphanet 227535, MedGen C0346153, MONDO:0016419, OMIM 114480. Disease mechanism: loss of function.
Fanconi anemia, complementation group S (FANCS). Identifiers: MedGen C4554406, MONDO:0054748, OMIM 617883.

Submissions (7):

Labcorp Genetics (formerly Invitae), Labcorp
Classification: Uncertain significance for Hereditary breast ovarian cancer syndrome. Last evaluated: 2025-09-29. Review status: criteria provided, single submitter. Criteria: Invitae Variant Classification Sherloc (09022015). Collection method: clinical testing. Allele origin: germline.
Comment: This sequence change replaces proline, which is neutral and non-polar, with serine, which is neutral and polar, at codon 1010 of the BRCA1 protein (p.Pro1010Ser). This variant is not present in population databases (gnomAD no frequency). This missense change has been observed in individual(s) with breast cancer (PMID: 18680205). ClinVar contains an entry for this variant (Variation ID: 374941). Invitae Evidence Modeling of protein sequence and biophysical properties (such as structural, functional, and spatial information, amino acid conservation, physicochemical variation, residue mobility, and thermodynamic stability) indicates that this missense variant is not expected to disrupt BRCA1 protein function with a negative predictive value of 80%. Experimental studies have shown that this missense change does not substantially affect BRCA1 function (PMID: 18680205). In summary, the available evidence is currently insufficient to determine the role of this variant in disease. Therefore, it has been classified as a Variant of Uncertain Significance.

Color Diagnostics, LLC DBA Color Health
Classification: Uncertain significance for Hereditary cancer-predisposing syndrome. Last evaluated: 2025-07-28. Review status: criteria provided, single submitter. Criteria: ACMG Guidelines, 2015. Collection method: clinical testing. Allele origin: germline.
Comment: This missense variant replaces proline with serine at codon 1010 of the BRCA1 protein. Computational prediction suggests that this variant may not impact protein structure and function. A functional study has reported that this variant behaved similarly to the wild-type BRCA1 control in yeast growth suppression and homologous recombination assays (PMID: 18680205). This variant has been reported in an individual affected with breast cancer (PMID: 18680205). This variant has not been identified in the general population by the Genome Aggregation Database (gnomAD). The available evidence is insufficient to determine the role of this variant in disease conclusively. Therefore, this variant is classified as a Variant of Uncertain Significance.

Quest Diagnostics Nichols Institute San Juan Capistrano
Classification: Uncertain significance. Last evaluated: 2023-12-15. Review status: criteria provided, single submitter. Criteria: Quest Diagnostics criteria. Collection method: clinical testing. Allele origin: unknown.
Comment: The BRCA1 c.3028C>T (p.Pro1010Ser) variant has been reported in the published literature in an individual with breast cancer (PMID: 18680205 (2009)). This variant has also been reported to have no significant effect on BRCA1 homologous repair activity in a yeast-based system (PMID: 18680205 (2009)). This variant has not been reported in large, multi-ethnic general populations (Genome Aggregation Database). Analysis of this variant using bioinformatics tools for the prediction of the effect of amino acid changes on protein structure and function yielded predictions that this variant is benign. Based on the available information, we are unable to determine the clinical significance of this variant.

University of Washington Department of Laboratory Medicine, University of Washington
Classification: Likely benign for Hereditary cancer-predisposing syndrome. Last evaluated: 2023-03-23. Review status: criteria provided, single submitter. Criteria: Dines et al. (Genet Med. 2020). Collection method: curation. Allele origin: germline.
Comment: Missense variant in a coldspot region where missense variants are very unlikely to be pathogenic (PMID:31911673).

BRCA1 coldspot (exon 11 using historical exon numbering). Reclassification based on statistical prior probability

Ambry Genetics
Classification: Uncertain significance for Hereditary cancer-predisposing syndrome. Last evaluated: 2021-03-28. Review status: criteria provided, single submitter. Criteria: Ambry Variant Classification Scheme 2023. Collection method: clinical testing. Allele origin: germline.
Comment: The p.P1010S variant (also known as c.3028C>T), located in coding exon 9 of the BRCA1 gene, results from a C to T substitution at nucleotide position 3028. The proline at codon 1010 is replaced by serine, an amino acid with similar properties. This amino acid position is not well conserved in available vertebrate species. In addition, this alteration is predicted to be tolerated by in silico analysis. Since supporting evidence is limited at this time, the clinical significance of this alteration remains unclear.

Department of Pathology and Laboratory Medicine, Sinai Health System
Classification: Uncertain significance for Familial cancer of breast; Breast-ovarian cancer, familial, susceptibility to, 1; Fanconi anemia, complementation group S. Last evaluated: 2019-12-16. Review status: criteria provided, single submitter. Criteria: ACMG Guidelines, 2015. Collection method: clinical testing. Allele origin: germline. Affected: no.

Knight Diagnostic Laboratories, Oregon Health and Sciences University
Classification: Uncertain significance for Breast-ovarian cancer, familial, susceptibility to, 1. Last evaluated: 2015-09-26. Review status: no assertion criteria provided. Criteria: ACMG Guidelines, 2015. Collection method: clinical testing. Allele origin: germline. Affected: no. Study: CSER-NextGen. Not counted in ClinVar's aggregate classification.

Literature cited by the submitters: PubMed 18680205 (cited by 4 submitters); PubMed 31911673 (cited by Quest Diagnostics Nichols Institute San Juan Capistrano).

NM_007294.4(BRCA1):c.3028C>T (p.Pro1010Ser)

Gene: BRCA1 (BRCA1 DNA repair associated; minus strand). Cytogenetic location: 17q21.31.
Variant type: single nucleotide variant.
Coding change: c.3028C>T on transcript NM_007294.4 (MANE Select); coding-DNA position 3028, C replaced by T.
Protein change: p.Pro1010Ser; replaces proline 1010 with serine.
Molecular consequence: missense variant. On other transcripts: intron variant (137).
Genome position (GRCh38, 1-based): chr17:43,092,503, G>A on the plus strand (C>T on the coding strand, the complement: BRCA1 is on the minus strand). VCF-style: chr17-43092503-G-A. GRCh37 (hg19) VCF-style: chr17-41244520-G-A.
Other names: c.2815C>T, p.Pro939Ser (NM_001407571.1, NM_001407853.1, NM_001407894.1 and 9 more transcripts); c.3028C>T, p.Pro1010Ser (NM_001407581.1, NM_001407582.1, NM_001407583.1 and 30 more transcripts); c.3025C>T, p.Pro1009Ser (NM_001407587.1, NM_001407590.1, NM_001407591.1 and 22 more transcripts); c.3019C>T, p.Pro1007Ser (NM_001407646.1, NM_001407647.1); c.2905C>T, p.Pro969Ser (NM_001407648.1, NM_001407664.1, NM_001407665.1 and 19 more transcripts); c.2902C>T, p.Pro968Ser (NM_001407649.1, NM_001407685.1, NM_001407940.1 and 11 more transcripts); c.2950C>T, p.Pro984Ser (NM_001407653.1, NM_001407654.1, NM_001407655.1 and 4 more transcripts); c.2947C>T, p.Pro983Ser (NM_001407659.1, NM_001407660.1, NM_001407661.1 and 1 more transcripts); and 41 more; short protein forms P1010S, P963S, P943S, P968S, P969S, P842S, P882S, P921S.
Identifiers: ClinVar variation 374941 (VCV000374941.17), dbSNP rs1057519249, ClinGen allele CA10595936.